The following is an entry in ClinVar:

ClinVar aggregate classification (germline): Uncertain significance (1 of 4 stars; one submission).

Conditions:
Emery-Dreifuss muscular dystrophy (EDMD). Also called: Scapuloperoneal syndrome, X-linked (formerly); Humeroperoneal neuromuscular disease, (formerly). Identifiers: Orphanet 261, MedGen C0410189, MONDO:0016830.

gnomAD v4.1: 21 of 1,556,222 alleles (0.0013%); highest among the groups gnomAD compares: East Asian, 0.035%; no homozygotes.

Submissions (2):

Labcorp Genetics (formerly Invitae), Labcorp
Classification: Uncertain significance for Emery-Dreifuss muscular dystrophy. Last evaluated: 2025-02-18. Review status: criteria provided, single submitter. Criteria: Invitae Variant Classification Sherloc (09022015). Collection method: clinical testing. Allele origin: germline.
Comment: This sequence change replaces arginine, which is basic and polar, with serine, which is neutral and polar, at codon 508 of the SUN1 protein (p.Arg508Ser). This variant is present in population databases (rs201410016, gnomAD 0.03%). This variant has not been reported in the literature in individuals affected with SUN1-related conditions. An algorithm developed to predict the effect of missense changes on protein structure and function (PolyPhen-2) suggests that this variant is likely to be tolerated. In summary, the available evidence is currently insufficient to determine the role of this variant in disease. Therefore, it has been classified as a Variant of Uncertain Significance.

Dr. Peter K. Rogan Lab, Western University
No classification provided (evidence only). Condition: Melanoma. Review status: no classification provided. Collection method: in vitro. Allele origin: not applicable. Functional consequence: retained intron. Not counted in ClinVar's aggregate classification.

NM_001130965.3(SUN1):c.1524A>T (p.Arg508Ser)

Gene: SUN1 (Sad1 and UNC84 domain containing 1; plus strand). Cytogenetic location: 7p22.3.
Variant type: single nucleotide variant.
Coding change: c.1524A>T on transcript NM_001130965.3 (MANE Select); coding-DNA position 1524, A replaced by T.
Protein change: p.Arg508Ser; replaces arginine 508 with serine.
Molecular consequence: missense variant. On other transcripts: non-coding transcript variant (3).
Genome position (GRCh38, 1-based): chr7:857,957, A>T. VCF-style: chr7-857957-A-T. GRCh37 (hg19) VCF-style: chr7-897594-A-T.
Other names: c.1572A>T, p.Arg524Ser (NM_001367645.1, NM_001367681.1); c.1653A>T, p.Arg551Ser (NM_001367646.1); c.1566A>T, p.Arg522Ser (NM_001367647.1, NM_001367668.1); c.1386A>T, p.Arg462Ser (NM_001367648.1); c.1569A>T, p.Arg523Ser (NM_001367649.1); c.1938A>T, p.Arg646Ser (NM_001367651.1); c.1524A>T, p.Arg508Ser (NM_001367653.1, NM_001367633.1, NM_001367634.1); c.1734A>T, p.Arg578Ser (NM_001367655.1, NM_001367700.1); and 43 more; short protein forms R405S, R452S, R457S, R495S, R507S, R522S, R545S, R569S.
Identifiers: ClinVar variation 3702810 (VCV003702810.3).